The following is an entry in ClinVar:

NM_000282.4(PCCA):c.1643+1_1643+2dup

Gene: PCCA (propionyl-CoA carboxylase subunit alpha; plus strand). Cytogenetic location: 13q32.3.
Variant type: Duplication.
Coding change: c.1643+1_1643+2dup on transcript NM_000282.4 (MANE Select); the canonical splice donor site of the intron after coding-DNA position 1643, 2 bases duplicated (GT; older notation c.1643+1_1643+2dupGT).
Molecular consequence: splice donor variant.
Genome position (GRCh38, 1-based): chr13:100,340,260-100,340,261, GT duplicated. VCF-style (leftmost placement, unchanged base first): chr13-100340259-G-GGT. GRCh37 (hg19) VCF-style: chr13-100992513-G-GGT.
Other names: c.1643+1_1643+2dup (NM_001352605.2, NM_001352609.2, NM_001178004.2); c.1499+1_1499+2dup (NM_001352606.2); c.698+1_698+2dup (NM_001352610.2, NM_001352611.2); c.554+1_554+2dup (NM_001352612.2); c.1565+1_1565+2dup (NM_001127692.3, NM_001352607.2); c.1421+1_1421+2dup (NM_001352608.2); c.1643+1_1643+2dupGT (NM_000282.3).
Identifiers: ClinVar variation 553799 (VCV000553799.4), dbSNP rs1555425626, ClinGen allele CA658823741.

ClinVar aggregate classification (germline): Likely pathogenic. Review status: criteria provided, single submitter (1 of 4 stars). 2 submissions from 2 submitters: Likely pathogenic (1). 1 of the submissions does not count toward it. Last evaluated 2021-02-17.

Conditions:
Propionic acidemia (PROP). Also called: GLYCINEMIA, KETOTIC; HYPERGLYCINEMIA WITH KETOACIDOSIS AND LEUKOPENIA; KETOTIC HYPERGLYCINEMIA. Identifiers: Orphanet 35, MedGen C0268579, MONDO:0011628, OMIM 606054, HP:0003571.

Submissions (2):

Laboratory of Inherited Metabolic Diseases, Research centre for medical genetics
Classification: Likely pathogenic for Propionic acidemia. Last evaluated: 2021-02-17. Review status: criteria provided, single submitter. Criteria: ACMG Guidelines, 2015. Collection method: research, in vitro. Allele origin: unknown, not applicable.
Comment: PS3, PM2, PP3

Counsyl
Classification: Uncertain significance for Propionic acidemia. Last evaluated: 2017-09-07. Review status: no assertion criteria provided. Collection method: clinical testing. Allele origin: unknown. Not counted in ClinVar's aggregate classification.